The following is an entry in ClinVar:

ClinVar aggregate classification (germline): Uncertain significance (1 of 4 stars; one submission).

Conditions:
Multiple mitochondrial dysfunctions syndrome 1 (MMDS1). Identifiers: Orphanet 401869, MedGen C3276432, MONDO:0011582, OMIM 605711.

gnomAD v4.1: 12 of 1,609,102 alleles (0.00075%); highest among the groups gnomAD compares: South Asian, 0.0088%; no homozygotes.

Submission:

Labcorp Genetics (formerly Invitae), Labcorp
Classification: Uncertain significance for Multiple mitochondrial dysfunctions syndrome 1. Last evaluated: 2024-12-31. Review status: criteria provided, single submitter. Criteria: Invitae Variant Classification Sherloc (09022015). Collection method: clinical testing. Allele origin: germline.
Comment: This sequence change replaces valine, which is neutral and non-polar, with leucine, which is neutral and non-polar, at codon 14 of the NFU1 protein (p.Val14Leu). This variant is present in population databases (rs749009548, gnomAD 0.01%). This variant has not been reported in the literature in individuals affected with NFU1-related conditions. Experimental studies and prediction algorithms are not available or were not evaluated, and the functional significance of this variant is currently unknown. In summary, the available evidence is currently insufficient to determine the role of this variant in disease. Therefore, it has been classified as a Variant of Uncertain Significance.

NM_001002755.4(NFU1):c.40G>C (p.Val14Leu)

Genes: NFU1 (NFU1 iron-sulfur cluster scaffold; minus strand), LOC129934004 (ATAC-STARR-seq lymphoblastoid active region 15971; plus strand). Cytogenetic location: 2p13.3.
Variant type: single nucleotide variant.
Coding change: c.40G>C on transcript NM_001002755.4 (MANE Select); coding-DNA position 40, G replaced by C.
Protein change: p.Val14Leu; replaces valine 14 with leucine.
Molecular consequence: missense variant. On other transcripts: 5 prime UTR variant (2), non-coding transcript variant (2), intron variant (1).
Genome position (GRCh38, 1-based): chr2:69,437,383, C>G on the plus strand (G>C on the coding strand, the complement: NFU1 is on the minus strand). VCF-style: chr2-69437383-C-G. GRCh37 (hg19) VCF-style: chr2-69664515-C-G.
Other names: c.-338G>C (NM_001002756.2); c.-123G>C (NM_015700.4); c.-11+670G>C (NM_001374284.1); short protein forms V14L.
Identifiers: ClinVar variation 3707049 (VCV003707049.1).